The following is an entry in ClinVar:

ClinVar aggregate classification (germline): Pathogenic (1 of 4 stars; one submission).

gnomAD v4.1: 1 of 1,602,094 alleles (0.000062%); highest among the groups gnomAD compares: African/African-American, 0.0013%; no homozygotes.

Submission:

Dasa
Classification: Pathogenic. Last evaluated: 2025-04-28. Review status: criteria provided, single submitter. Criteria: DASA Assertion Criteria. Collection method: clinical testing. Allele origin: germline.
Comment: NM_032119.4(ADGRV1):c.17974-1G>A affects a canonical splice site and is predicted to disrupt normal RNA splicing. Loss of function is an established disease mechanism for ADGRV1-associated disorders. This variant affects a canonical splice-site context with prior evidence supporting clinical relevance. Also, this variant is rare in population databases. Based on the currently available evidence, this variant is classified as pathogenic.

NM_032119.4(ADGRV1):c.17974-1G>A

Gene: ADGRV1 (adhesion G protein-coupled receptor V1; plus strand). Cytogenetic location: 5q14.3.
Variant type: single nucleotide variant.
Coding change: c.17974-1G>A on transcript NM_032119.4 (MANE Select); the canonical splice acceptor site of the intron before coding-DNA position 17974, G replaced by A.
Molecular consequence: splice acceptor variant.
Genome position (GRCh38, 1-based): chr5:90,985,343, G>A. VCF-style: chr5-90985343-G-A. GRCh37 (hg19) VCF-style: chr5-90281160-G-A.
Identifiers: ClinVar variation 4852617 (VCV004852617.2).